The following is an entry in ClinVar:

NM_004304.5(ALK):c.4535C>T (p.Thr1512Ile)

Gene: ALK (ALK receptor tyrosine kinase; minus strand). Cytogenetic location: 2p23.2.
Variant type: single nucleotide variant.
Coding change: c.4535C>T on transcript NM_004304.5 (MANE Select); coding-DNA position 4535, C replaced by T.
Protein change: p.Thr1512Ile; replaces threonine 1512 with isoleucine.
Molecular consequence: missense variant.
Genome position (GRCh38, 1-based): chr2:29,193,552, G>A on the plus strand (C>T on the coding strand, the complement: ALK is on the minus strand). VCF-style: chr2-29193552-G-A. GRCh37 (hg19) VCF-style: chr2-29416418-G-A.
Other names: c.4535C>T (NM_004304.4); c.1331C>T, p.Thr444Ile (NM_001353765.2); short protein forms T1512I, T444I.
Identifiers: ClinVar variation 1951692 (VCV001951692.6), dbSNP rs75681494, ClinGen allele CA44634866.

ClinVar aggregate classification (germline): Uncertain significance. Review status: criteria provided, multiple submitters, no conflicts (2 of 4 stars). 2 submissions from 2 submitters: Uncertain significance (2). Last evaluated 2024-11-25.

Conditions:
Neuroblastoma, susceptibility to, 3. Also called: ALK-Related Neuroblastic Tumor Susceptibility. Identifiers: Orphanet 635, MedGen C2751681, MONDO:0013083, OMIM 613014.
Hereditary cancer-predisposing syndrome. Also called: Tumor predisposition; Hereditary neoplastic syndrome; Hereditary Cancer Syndrome; Neoplastic Syndromes, Hereditary. Identifiers: Orphanet 140162, MedGen C0027672, MeSH D009386, MONDO:0015356.

Allele frequency attached by ClinVar (database versions not stated): gnomAD 0.00001.
gnomAD v4.1: 1 of 1,614,094 alleles (0.000062%); highest among the groups gnomAD compares: Non-Finnish European, 0.000085%; no homozygotes.

Submissions (2):

Labcorp Genetics (formerly Invitae), Labcorp
Classification: Uncertain significance for Neuroblastoma, susceptibility to, 3. Last evaluated: 2024-11-25. Review status: criteria provided, single submitter. Criteria: Invitae Variant Classification Sherloc (09022015). Collection method: clinical testing. Allele origin: germline.
Comment: This sequence change replaces threonine, which is neutral and polar, with isoleucine, which is neutral and non-polar, at codon 1512 of the ALK protein (p.Thr1512Ile). The frequency data for this variant in the population databases is considered unreliable, as metrics indicate poor data quality at this position in the gnomAD database. This variant has not been reported in the literature in individuals affected with ALK-related conditions. ClinVar contains an entry for this variant (Variation ID: 1951692). An algorithm developed to predict the effect of missense changes on protein structure and function (PolyPhen-2) suggests that this variant is likely to be tolerated. In summary, the available evidence is currently insufficient to determine the role of this variant in disease. Therefore, it has been classified as a Variant of Uncertain Significance.

Ambry Genetics
Classification: Uncertain significance for Hereditary cancer-predisposing syndrome. Last evaluated: 2024-11-14. Review status: criteria provided, single submitter. Criteria: Ambry Variant Classification Scheme 2023. Collection method: clinical testing. Allele origin: germline.
Comment: The p.T1512I variant (also known as c.4535C>T), located in coding exon 29 of the ALK gene, results from a C to T substitution at nucleotide position 4535. The threonine at codon 1512 is replaced by isoleucine, an amino acid with similar properties. This amino acid position is conserved. In addition, this alteration is predicted to be tolerated by in silico analysis. Based on the available evidence, the clinical significance of this variant remains unclear.